The following is an entry in ClinVar:

NM_001985.3(ETFB):c.565G>A (p.Glu189Lys)

Gene: ETFB (electron transfer flavoprotein subunit beta; minus strand). Cytogenetic location: 19q13.41.
Variant type: single nucleotide variant.
Coding change: c.565G>A on transcript NM_001985.3 (MANE Select); coding-DNA position 565, G replaced by A.
Protein change: p.Glu189Lys; replaces glutamic acid 189 with lysine.
Molecular consequence: missense variant.
Genome position (GRCh38, 1-based): chr19:51,346,932, C>T on the plus strand (G>A on the coding strand, the complement: ETFB is on the minus strand). VCF-style: chr19-51346932-C-T. GRCh37 (hg19) VCF-style: chr19-51850186-C-T.
Other names: c.838G>A, p.Glu280Lys (NM_001014763.1); short protein forms E189K, E280K.
Identifiers: ClinVar variation 570357 (VCV000570357.15), dbSNP rs376065198, ClinGen allele CA9610720.

ClinVar aggregate classification (germline): Conflicting classifications of pathogenicity. Review status: criteria provided, conflicting classifications (1 of 4 stars). 3 submissions from 3 submitters: Uncertain significance (1); Likely benign (2). Last evaluated 2026-01-20.

Conditions:
ETFB-related disorder. Also called: ETFB-related condition.
Multiple acyl-CoA dehydrogenase deficiency (MADD). Also called: Glutaric Acidemia type 2; ETHYLMALONIC-ADIPICACIDURIA; GA II; Glutaric aciduria, type 2; Glutaric acidemia type II; GA 2. Identifiers: Orphanet 26791, MedGen C0268596, MONDO:0009282, OMIM 231680.

Allele frequency attached by ClinVar (database versions not stated): gnomAD 0.00007 and 0.00008; gnomAD exomes 0.00011 and 0.00017; TOPMed 0.00011; ESP Exome Variant Server 0.00015; ExAC 0.00035.
gnomAD v4.1: 182 of 1,573,374 alleles (0.012%); highest among the groups gnomAD compares: Non-Finnish European, 0.0032%; no homozygotes.

Submissions (3):

Labcorp Genetics (formerly Invitae), Labcorp
Classification: Likely benign for Multiple acyl-CoA dehydrogenase deficiency. Last evaluated: 2026-01-20. Review status: criteria provided, single submitter. Criteria: Invitae Variant Classification Sherloc (09022015). Collection method: clinical testing. Allele origin: germline.

PreventionGenetics, part of Exact Sciences
Classification: Likely benign for ETFB-related condition. Last evaluated: 2025-08-13. Review status: criteria provided, single submitter. Criteria: ACMG Guidelines, 2015. Collection method: clinical testing. Allele origin: germline.
Comment: This variant is classified as likely benign based on ACMG/AMP sequence variant interpretation guidelines (Richards et al. 2015 PMID: 25741868, with internal and published modifications).

GeneDx
Classification: Uncertain significance. Last evaluated: 2024-05-24. Review status: criteria provided, single submitter. Criteria: GeneDx Variant Classification Process June 2021. Collection method: clinical testing. Allele origin: germline. Affected: yes.
Comment: In silico analysis supports that this missense variant has a deleterious effect on protein structure/function; Has not been previously published as pathogenic or benign to our knowledge; This variant is associated with the following publications: (PMID: 30167848)